The following is an entry in ClinVar:

ClinVar aggregate classification (germline): Likely benign. Review status: criteria provided, single submitter (1 of 4 stars). 2 submissions from 2 submitters: Likely benign (1). 1 of the submissions does not count toward it. Last evaluated 2026-01-21.

Conditions:
DOCK6-related disorder. Also called: DOCK6-related condition.

Allele frequency attached by ClinVar (database versions not stated): gnomAD exomes 0.00008 and 0.00024; gnomAD 0.00015 and 0.00016; TOPMed 0.00015; ExAC 0.00007; ESP Exome Variant Server 0.00008.
gnomAD v4.1: 377 of 1,613,620 alleles (0.023%); highest among the groups gnomAD compares: Non-Finnish European, 0.03%; no homozygotes.

Submissions (2):

Labcorp Genetics (formerly Invitae), Labcorp
Classification: Likely benign. Last evaluated: 2026-01-21. Review status: criteria provided, single submitter. Criteria: Invitae Variant Classification Sherloc (09022015). Collection method: clinical testing. Allele origin: germline.

PreventionGenetics, part of Exact Sciences
Classification: Likely benign for DOCK6-related condition. Last evaluated: 2024-08-27. Review status: no assertion criteria provided. Collection method: clinical testing. Allele origin: germline. Not counted in ClinVar's aggregate classification.
Comment: This variant is classified as likely benign based on ACMG/AMP sequence variant interpretation guidelines (Richards et al. 2015 PMID: 25741868, with internal and published modifications).

NM_020812.4(DOCK6):c.4204-6C>T

Genes: DOCK6 (dedicator of cytokinesis 6; minus strand), DOCK6-AS1 (DOCK6 antisense RNA 1; plus strand). Cytogenetic location: 19p13.2.
Variant type: single nucleotide variant.
Coding change: c.4204-6C>T on transcript NM_020812.4 (MANE Select); 6 bases into the intron before coding-DNA position 4204, C replaced by T.
Molecular consequence: intron variant.
Genome position (GRCh38, 1-based): chr19:11,214,415, G>A on the plus strand (C>T on the coding strand, the complement: DOCK6 is on the minus strand). VCF-style: chr19-11214415-G-A. GRCh37 (hg19) VCF-style: chr19-11325091-G-A.
Other names: c.4309-6C>T (NM_001367830.1).
Identifiers: ClinVar variation 742202 (VCV000742202.10), dbSNP rs374412034, ClinGen allele CA9206931.
Genomic context (GRCh38, chr19:11,214,415, plus strand): 5'-CAACCTTCAGCACTGCCCCCAAGACGCTCTCCCGGGCTTCTGAAAGCATCACCGTCTGGA[G>A]GGAAGGGGGTCAGAAATCCAGGTGTTAGAGCCTAGGGTGGTTATGGGGAAAGGGAAGGAG-3'